The following is an entry in ClinVar:

ClinVar aggregate classification (germline): Likely benign (1 of 4 stars; one submission).

Allele frequency attached by ClinVar (database versions not stated): gnomAD 0.00442; 1000 Genomes Project 30x 0.00515; 1000 Genomes Project 0.00539.
gnomAD v4.1: 665 of 152,168 alleles (0.44%); highest among the groups gnomAD compares: African/African-American, 1.5%; 3 homozygotes.

Submission:

GeneDx
Classification: Likely benign. Last evaluated: 2019-05-06. Review status: criteria provided, single submitter. Criteria: GeneDx Variant Classification Process June 2021. Collection method: clinical testing. Allele origin: germline. Affected: yes.
Comment: See Variant Classification Assertion Criteria.

NM_000135.4(FANCA):c.2853-268C>T

Gene: FANCA (FA complementation group A; minus strand). Cytogenetic location: 16q24.3.
Variant type: single nucleotide variant.
Coding change: c.2853-268C>T on transcript NM_000135.4 (MANE Select); 268 bases into the intron before coding-DNA position 2853, C replaced by T.
Molecular consequence: intron variant.
Genome position (GRCh38, 1-based): chr16:89,758,973, G>A on the plus strand (C>T on the coding strand, the complement: FANCA is on the minus strand). VCF-style: chr16-89758973-G-A. GRCh37 (hg19) VCF-style: chr16-89825381-G-A.
Other names: c.2853-268C>T (NM_001286167.3).
Identifiers: ClinVar variation 1804550 (VCV001804550.1), dbSNP rs56113506, ClinGen allele CA286549508.